The following is an entry in ClinVar:

ClinVar aggregate classification (germline): Pathogenic (1 of 4 stars; one submission).

Submission:

GeneDx
Classification: Pathogenic. Last evaluated: 2023-05-15. Review status: criteria provided, single submitter. Criteria: GeneDx Variant Classification Process June 2021. Collection method: clinical testing. Allele origin: germline. Affected: yes.
Comment: Published functional studies demonstrate a damaging loss-of function effect (Liang et al., 2022); Not observed at significant frequency in large population cohorts (gnomAD); This variant is associated with the following publications: (PMID: 35156297)

NM_001161352.2(KCNMA1):c.940G>A (p.Ala314Thr)

Gene: KCNMA1 (potassium calcium-activated channel subfamily M alpha 1; minus strand). Cytogenetic location: 10q22.3.
Variant type: single nucleotide variant.
Coding change: c.940G>A on transcript NM_001161352.2 (MANE Select); coding-DNA position 940, G replaced by A.
Protein change: p.Ala314Thr; replaces alanine 314 with threonine.
Molecular consequence: missense variant.
Genome position (GRCh38, 1-based): chr10:77,112,387, C>T on the plus strand (G>A on the coding strand, the complement: KCNMA1 is on the minus strand). VCF-style: chr10-77112387-C-T. GRCh37 (hg19) VCF-style: chr10-78872145-C-T.
Other names: c.940G>A, p.Ala314Thr (NM_001014797.3, NM_001161353.2, NM_001271519.2 and 8 more transcripts); c.778G>A, p.Ala260Thr (NM_001271518.2); c.400G>A, p.Ala134Thr (NM_001322838.2); short protein forms A134T, A260T, A314T.
Identifiers: ClinVar variation 3342855 (VCV003342855.1).